The following is an entry in ClinVar:

NM_014268.4(MAPRE2):c.715G>C (p.Asp239His)

Gene: MAPRE2 (microtubule associated protein RP/EB family member 2; plus strand). Cytogenetic location: 18q12.2.
Variant type: single nucleotide variant.
Coding change: c.715G>C on transcript NM_014268.4 (MANE Select); coding-DNA position 715, G replaced by C.
Protein change: p.Asp239His; replaces aspartic acid 239 with histidine.
Molecular consequence: missense variant. On other transcripts: non-coding transcript variant (1).
Genome position (GRCh38, 1-based): chr18:35,127,052, G>C. VCF-style: chr18-35127052-G-C. GRCh37 (hg19) VCF-style: chr18-32707016-G-C.
Other names: c.586G>C, p.Asp196His (NM_001143826.3); c.679G>C, p.Asp227His (NM_001143827.3); c.556G>C, p.Asp186His (NM_001256420.2); short protein forms D186H, D196H, D227H, D239H.
Identifiers: ClinVar variation 4534961 (VCV004534961.6).

ClinVar aggregate classification (germline): Uncertain significance (1 of 4 stars; one submission).

Submission:

CeGaT Center for Human Genetics Tuebingen
Classification: Uncertain significance. Last evaluated: 2025-10-01. Review status: criteria provided, single submitter. Criteria: CeGaT Center For Human Genetics Tuebingen Variant Classification Criteria Version 2. Collection method: clinical testing. Allele origin: germline. Affected: yes. Observed: 1 variant allele.
Comment: MAPRE2: PM2